The following is an entry in ClinVar:

NM_020922.5(WNK3):c.3681G>A (p.Gly1227=)

Gene: WNK3 (WNK lysine deficient protein kinase 3; minus strand). Cytogenetic location: Xp11.22.
Variant type: single nucleotide variant.
Coding change: c.3681G>A on transcript NM_020922.5 (MANE Select); coding-DNA position 3681, G replaced by A.
Protein change: p.Gly1227=; no amino-acid change (glycine 1227 retained).
Molecular consequence: synonymous variant.
Genome position (GRCh38, 1-based): chrX:54,239,070, C>T on the plus strand (G>A on the coding strand, the complement: WNK3 is on the minus strand). VCF-style: chrX-54239070-C-T. GRCh37 (hg19) VCF-style: chrX-54265503-C-T.
Other names: c.3681G>A, p.Gly1227= (NM_001002838.4, NM_001395166.1).
Identifiers: ClinVar variation 2660659 (VCV002660659.24), dbSNP rs781914942, ClinGen allele CA10424304.

ClinVar aggregate classification (germline): Likely benign (1 of 4 stars; one submission).

Allele frequency attached by ClinVar (database versions not stated): ExAC 0.00001; gnomAD exomes 0.00001.
gnomAD v4.1: 8 of 1,185,376 alleles (0.00067%); highest among the groups gnomAD compares: Non-Finnish European, 0.0009%; no homozygotes.

Submission:

CeGaT Center for Human Genetics Tuebingen
Classification: Likely benign. Last evaluated: 2022-07-01. Review status: criteria provided, single submitter. Criteria: CeGaT Center For Human Genetics Tuebingen Variant Classification Criteria Version 2. Collection method: clinical testing. Allele origin: germline. Affected: yes. Observed: 1 variant allele.
Comment: WNK3: BP4, BP7